The following is an entry in ClinVar:

ClinVar aggregate classification (germline): Uncertain significance (1 of 4 stars; one submission).

Conditions:
Primary ciliary dyskinesia. Also called: Ciliary dyskinesia. Identifiers: Orphanet 244, MedGen C0008780, MONDO:0016575, HP:0012265.

Submission:

Ambry Genetics
Classification: Uncertain significance for Primary ciliary dyskinesia. Last evaluated: 2026-01-06. Review status: criteria provided, single submitter. Criteria: Ambry Variant Classification Scheme 2023. Collection method: clinical testing. Allele origin: germline.
Comment: The p.L2890I variant (also known as c.8668C>A), located in coding exon 52 of the DNAH11 gene, results from a C to A substitution at nucleotide position 8668. The leucine at codon 2890 is replaced by isoleucine, an amino acid with highly similar properties. This amino acid position is conserved. In addition, this alteration is predicted to be tolerated by in silico analysis. Based on the available evidence, the clinical significance of this variant remains unclear.

NM_001277115.2(DNAH11):c.8668C>A (p.Leu2890Ile)

Gene: DNAH11 (dynein axonemal heavy chain 11; plus strand). Cytogenetic location: 7p15.3.
Variant type: single nucleotide variant.
Coding change: c.8668C>A on transcript NM_001277115.2 (MANE Select); coding-DNA position 8668, C replaced by A.
Protein change: p.Leu2890Ile; replaces leucine 2890 with isoleucine.
Molecular consequence: missense variant.
Genome position (GRCh38, 1-based): chr7:21,748,737, C>A. VCF-style: chr7-21748737-C-A. GRCh37 (hg19) VCF-style: chr7-21788355-C-A.
Other names: short protein forms L2890I.
Identifiers: ClinVar variation 4844035 (VCV004844035.1).